The following is an entry in ClinVar:

NM_004655.4(AXIN2):c.581A>T (p.Asp194Val)

Gene: AXIN2 (axin 2; minus strand). Cytogenetic location: 17q24.1.
Variant type: single nucleotide variant.
Coding change: c.581A>T on transcript NM_004655.4 (MANE Select); coding-DNA position 581, A replaced by T.
Protein change: p.Asp194Val; replaces aspartic acid 194 with valine.
Molecular consequence: missense variant.
Genome position (GRCh38, 1-based): chr17:65,558,040, T>A on the plus strand (A>T on the coding strand, the complement: AXIN2 is on the minus strand). VCF-style: chr17-65558040-T-A. GRCh37 (hg19) VCF-style: chr17-63554158-T-A.
Other names: c.581A>T (NM_004655.3); c.581A>T, p.Asp194Val (NM_001363813.1); short protein forms D194V.
Identifiers: ClinVar variation 1000427 (VCV001000427.9), dbSNP rs2044297845, ClinGen allele CA400680800.

ClinVar aggregate classification (germline): Uncertain significance. Review status: criteria provided, multiple submitters, no conflicts (2 of 4 stars). 2 submissions from 2 submitters: Uncertain significance (2). Last evaluated 2026-07-07.

Conditions:
Hereditary cancer-predisposing syndrome. Also called: Tumor predisposition; Hereditary Cancer Syndrome; Hereditary neoplastic syndrome; Neoplastic Syndromes, Hereditary. Identifiers: Orphanet 140162, MedGen C0027672, MeSH D009386, MONDO:0015356.
Oligodontia-cancer predisposition syndrome. Also called: TOOTH AGENESIS-COLORECTAL CANCER SYNDROME. Identifiers: Orphanet 300576, MedGen C1837750, MONDO:0012075, OMIM 608615. Disease mechanism: loss of function.

Submissions (2):

Ambry Genetics
Classification: Uncertain significance for Hereditary cancer-predisposing syndrome. Last evaluated: 2026-07-07. Review status: criteria provided, single submitter. Criteria: Ambry Variant Classification Scheme 2023. Collection method: clinical testing. Allele origin: germline.
Comment: The p.D194V variant (also known as c.581A>T), located in coding exon 1 of the AXIN2 gene, results from an A to T substitution at nucleotide position 581. The aspartic acid at codon 194 is replaced by valine, an amino acid with highly dissimilar properties. This amino acid position is conserved. In addition, this alteration is predicted to be deleterious by in silico analysis. Based on the available evidence, the clinical significance of this variant remains unclear.

Labcorp Genetics (formerly Invitae), Labcorp
Classification: Uncertain significance for Oligodontia-cancer predisposition syndrome. Last evaluated: 2026-01-22. Review status: criteria provided, single submitter. Criteria: Invitae Variant Classification Sherloc (09022015). Collection method: clinical testing. Allele origin: germline.
Comment: This sequence change replaces aspartic acid, which is acidic and polar, with valine, which is neutral and non-polar, at codon 194 of the AXIN2 protein (p.Asp194Val). This variant is not present in population databases (gnomAD no frequency). This variant has not been reported in the literature in individuals affected with AXIN2-related conditions. ClinVar contains an entry for this variant (Variation ID: 1000427). Invitae Evidence Modeling of protein sequence and biophysical properties (such as structural, functional, and spatial information, amino acid conservation, physicochemical variation, residue mobility, and thermodynamic stability) indicates that this missense variant is expected to disrupt AXIN2 protein function with a positive predictive value of 80%. In summary, the available evidence is currently insufficient to determine the role of this variant in disease. Therefore, it has been classified as a Variant of Uncertain Significance.